The following is an entry in ClinVar:

ClinVar aggregate classification (germline): Uncertain significance (1 of 4 stars; one submission).

Conditions:
Inborn genetic diseases. Identifiers: MedGen C0950123, MeSH D030342.

Submission:

Ambry Genetics
Classification: Uncertain significance for Inborn genetic diseases. Last evaluated: 2025-12-23. Review status: criteria provided, single submitter. Criteria: Ambry Variant Classification Scheme 2023. Collection method: clinical testing. Allele origin: germline.
Comment: The p.F502S variant (also known as c.1505T>C), located in coding exon 13 of the KDM1A gene, results from a T to C substitution at nucleotide position 1505. The phenylalanine at codon 502 is replaced by serine, an amino acid with highly dissimilar properties. This amino acid position is conserved. In addition, the in silico prediction for this alteration is inconclusive. Based on the available evidence, the clinical significance of this variant remains unclear.

NM_001009999.3(KDM1A):c.1505T>C (p.Phe502Ser)

Gene: KDM1A (lysine demethylase 1A; plus strand). Cytogenetic location: 1p36.12.
Variant type: single nucleotide variant.
Coding change: c.1505T>C on transcript NM_001009999.3 (MANE Select); coding-DNA position 1505, T replaced by C.
Protein change: p.Phe502Ser; replaces phenylalanine 502 with serine.
Molecular consequence: missense variant.
Genome position (GRCh38, 1-based): chr1:23,071,316, T>C. VCF-style: chr1-23071316-T-C. GRCh37 (hg19) VCF-style: chr1-23397809-T-C.
Other names: c.1433T>C, p.Phe478Ser (NM_001363654.2, NM_001410763.1, NM_015013.4); c.1493T>C, p.Phe498Ser (NM_001410762.1); short protein forms F498S, F478S, F502S.
Identifiers: ClinVar variation 4841909 (VCV004841909.1).
Genomic context (GRCh38, chr1:23,071,316, plus strand): 5'-TCCATCAGCAATACAAAGAAGCATCTGAAGTAAAGCCACCCAGAGATATTACTGCCGAGT[T>C]CTTAGTGAAAAGCAAACACAGGGATCTGACCGCCCTATGCAAGGTGTGGTATACATACAT-3'
Protein context (NP_001009999.1, residues 492-512): VKPPRDITAE[Phe502Ser]LVKSKHRDLT